The following is an entry in ClinVar:

NM_003072.5(SMARCA4):c.3355C>T (p.Arg1119Cys)

Gene: SMARCA4 (SWI/SNF related BAF chromatin remodeling complex subunit ATPase 4; plus strand). Cytogenetic location: 19p13.2.
Variant type: single nucleotide variant.
Coding change: c.3355C>T on transcript NM_003072.5 (MANE Select); coding-DNA position 3355, C replaced by T.
Protein change: p.Arg1119Cys; replaces arginine 1119 with cysteine.
Molecular consequence: missense variant. On other transcripts: non-coding transcript variant (1).
Genome position (GRCh38, 1-based): chr19:11,027,923, C>T. VCF-style: chr19-11027923-C-T. GRCh37 (hg19) VCF-style: chr19-11138599-C-T.
Other names: c.3355C>T, p.Arg1119Cys (NM_001128844.3, NM_001128845.2, NM_001128846.2 and 4 more transcripts); short protein forms R1119C.
Identifiers: ClinVar variation 816866 (VCV000816866.15), dbSNP rs2090378511, ClinGen allele CA404061864.

ClinVar aggregate classification (germline): Uncertain significance. Review status: criteria provided, multiple submitters, no conflicts (2 of 4 stars). 4 submissions from 4 submitters: Uncertain significance (3). 1 of the submissions does not count toward it. Last evaluated 2025-10-15.

Conditions:
Rhabdoid tumor predisposition syndrome 2 (RTPS2). Identifiers: Orphanet 231108, Orphanet 69077, MedGen C2750074, MONDO:0013224, OMIM 613325.
Hereditary cancer-predisposing syndrome. Also called: Hereditary Cancer Syndrome; Neoplastic Syndromes, Hereditary; Tumor predisposition; Hereditary neoplastic syndrome. Identifiers: Orphanet 140162, MedGen C0027672, MeSH D009386, MONDO:0015356.
Cerebral palsy. Identifiers: MedGen C0007789, MONDO:0006497, HP:0100021.
Intellectual disability. Also called: Intellectual functioning disability; Intellectual developmental disorder; intellectual disabilities. Identifiers: MedGen C3714756, MeSH D008607, MONDO:0001071, HP:0001249.

Allele frequency attached by ClinVar (database versions not stated): gnomAD exomes below 0.00001.
gnomAD v4.1: 1 of 1,614,158 alleles (0.000062%); highest among the groups gnomAD compares: Non-Finnish European, 0.000085%; no homozygotes.

Submissions (4):

Ambry Genetics
Classification: Uncertain significance for Hereditary cancer-predisposing syndrome. Last evaluated: 2025-10-15. Review status: criteria provided, single submitter. Criteria: Ambry Variant Classification Scheme 2023. Collection method: clinical testing. Allele origin: germline.
Comment: The c.3355C>T (p.R1119C) alteration is located in exon 24 (coding exon 23) of the SMARCA4 gene. This alteration results from a C to T substitution at nucleotide position 3355, causing the arginine (R) at amino acid position 1119 to be replaced by a cysteine (C). This variant was not reported in population-based cohorts in the Genome Aggregation Database (gnomAD). This variant was determined to be de novo in at least one individual with features consistent with Coffin-Siris syndrome (Qian, 2022). This amino acid position is highly conserved in available vertebrate species. This missense alteration is located in a region that has a low rate of benign missense variation (Lek, 2016; Firth, 2009). This alteration is predicted to be deleterious by in silico analysis. Based on insufficient or conflicting evidence, the clinical significance of this alteration remains unclear.

GeneDx
Classification: Uncertain significance. Last evaluated: 2025-05-07. Review status: criteria provided, single submitter. Criteria: GeneDx Variant Classification Process June 2021. Collection method: clinical testing. Allele origin: germline. Affected: yes.
Comment: In silico analysis supports that this missense variant has a deleterious effect on protein structure/function; This variant is associated with the following publications: (PMID: 24658002, 37500730, 34813034)

Labcorp Genetics (formerly Invitae), Labcorp
Classification: Uncertain significance for Rhabdoid tumor predisposition syndrome 2. Last evaluated: 2023-05-22. Review status: criteria provided, single submitter. Criteria: Invitae Variant Classification Sherloc (09022015). Collection method: clinical testing. Allele origin: germline.
Comment: In summary, the available evidence is currently insufficient to determine the role of this variant in disease. Therefore, it has been classified as a Variant of Uncertain Significance. Advanced modeling of protein sequence and biophysical properties (such as structural, functional, and spatial information, amino acid conservation, physicochemical variation, residue mobility, and thermodynamic stability) performed at Invitae indicates that this missense variant is expected to disrupt SMARCA4 protein function. ClinVar contains an entry for this variant (Variation ID: 816866). This missense change has been observed in individual(s) with clinical features of SMARCA4-related conditions (PMID: 34813034). This variant is not present in population databases (gnomAD no frequency). This sequence change replaces arginine, which is basic and polar, with cysteine, which is neutral and slightly polar, at codon 1119 of the SMARCA4 protein (p.Arg1119Cys).

Center for Molecular Medicine, Children’s Hospital of Fudan University
Classification: Pathogenic for Intellectual disability; Cerebral palsy. Last evaluated: 2020-02-25. Review status: no assertion criteria provided. Collection method: clinical testing. Allele origin: de novo. Affected: yes. Not counted in ClinVar's aggregate classification.

Literature cited by the submitters: PubMed 34813034 (cited by Ambry Genetics and Labcorp Genetics (formerly Invitae), Labcorp).